The following is an entry in ClinVar:

NM_001370259.2(MEN1):c.1831dup (p.Ter611LeuextTer?)

Gene: MEN1 (menin 1; minus strand). Cytogenetic location: 11q13.1.
Variant type: Duplication.
Coding change: c.1831dup on transcript NM_001370259.2 (MANE Select); coding-DNA position 1831, one base duplicated (T; older notation c.1831dupT).
Protein change: p.Ter611LeuextTer?.
Molecular consequence: frameshift variant, stop lost. On other transcripts: non-coding transcript variant (4).
Genome position (GRCh38, 1-based): chr11:64,804,336, A duplicated on the plus strand (T on the coding strand, the reverse complement: MEN1 is on the minus strand). VCF-style (leftmost placement, unchanged base first): chr11-64804335-C-CA. GRCh37 (hg19) VCF-style: chr11-64571807-C-CA.
Other names: c.1846dup, p.Ter616LeuextTer? (NM_000244.4, NM_001407145.1, NM_130800.3 and 4 more transcripts); c.1957dup, p.Ter653LeuextTer? (NM_001370251.2, NM_001407142.1, NM_001407143.1 and 1 more transcripts); c.1831dup, p.Ter611LeuextTer? (NM_001370260.2, NM_001370261.2, NM_001407146.1 and 2 more transcripts); c.1726dup, p.Ter576LeuextTer? (NM_001370262.2, NM_001370263.2, NM_001407148.1 and 1 more transcripts); c.1972dup, p.Ter658LeuextTer? (NM_001407150.1); c.1852dup, p.Ter618LeuextTer? (NM_001407151.1); c.1666dup, p.Ter556LeuextTer? (NM_001407152.1); c.1831dupT (NM_130799.2).
Identifiers: ClinVar variation 2626587 (VCV002626587.2), dbSNP rs2497097365, ClinGen allele CA2582341872.

ClinVar aggregate classification (germline): Uncertain significance (1 of 4 stars; one submission).

Conditions:
Hereditary cancer-predisposing syndrome. Also called: Tumor predisposition; Hereditary Cancer Syndrome; Hereditary neoplastic syndrome; Neoplastic Syndromes, Hereditary. Identifiers: Orphanet 140162, MedGen C0027672, MeSH D009386, MONDO:0015356.

Submission:

Ambry Genetics
Classification: Uncertain significance for Hereditary cancer-predisposing syndrome. Last evaluated: 2023-06-22. Review status: criteria provided, single submitter. Criteria: Ambry Variant Classification Scheme 2023. Collection method: clinical testing. Allele origin: germline.
Comment: The c.1831dupT variant (also known as p.*611Lext*67), located in coding exon 9 of the MEN1 gene, results from a a duplication of T at nucleotide position 1831. This alteration disrupts the stop codon of the MEN1 gene and is predicted to preserve the native sequence while resulting in the elongation of the protein by 67 amino acids. The exact functional effect of the additional amino acids is unknown. Since supporting evidence is limited at this time, the clinical significance of this alteration remains unclear.